The following is an entry in ClinVar:

NM_001845.6(COL4A1):c.2500C>G (p.Pro834Ala)

Gene: COL4A1 (collagen type IV alpha 1 chain; minus strand). Cytogenetic location: 13q34.
Variant type: single nucleotide variant.
Coding change: c.2500C>G on transcript NM_001845.6 (MANE Select); coding-DNA position 2500, C replaced by G.
Protein change: p.Pro834Ala; replaces proline 834 with alanine.
Molecular consequence: missense variant.
Genome position (GRCh38, 1-based): chr13:110,178,190, G>C on the plus strand (C>G on the coding strand, the complement: COL4A1 is on the minus strand). VCF-style: chr13-110178190-G-C. GRCh37 (hg19) VCF-style: chr13-110830537-G-C.
Other names: short protein forms P834A.
Identifiers: ClinVar variation 2075644 (VCV002075644.6), dbSNP rs1431835576, ClinGen allele CA388667964.

ClinVar aggregate classification (germline): Uncertain significance. Review status: criteria provided, multiple submitters, no conflicts (2 of 4 stars). 2 submissions from 2 submitters: Uncertain significance (2). Last evaluated 2025-11-10.

Conditions:
Brain small vessel disease 1 with or without ocular anomalies (BSVD1). Also called: PORENCEPHALY, TYPE 1, AUTOSOMAL DOMINANT; BRAIN SMALL VESSEL DISEASE WITH HEMORRHAGE; GOULD SYNDROME 1; Brain small vessel disease with or without ocular anomalies. Identifiers: Orphanet 2940, Orphanet 36383, Orphanet 99810, MedGen C4755307, MONDO:0008289, OMIM 175780.

Allele frequency attached by ClinVar (database versions not stated): TOPMed below 0.00001.

Submissions (2):

Dasa
Classification: Uncertain significance for brain small vessel disease 1 with or without ocular anomalies. Last evaluated: 2025-11-10. Review status: criteria provided, single submitter. Criteria: DASA Assertion Criteria. Collection method: clinical testing. Allele origin: germline.
Comment: NM_001845.6(COL4A1):c.2500C>G (p.Pro834Ala) is a missense variant that results in the substitution of proline with alanine. This variant is rare in population databases. Computational prediction algorithms are consistent with a deleterious effect. The currently available literature and clinical evidence are not sufficient to establish a definitive association between this variant and the reported condition. Therefore, this variant is classified as a variant of uncertain significance.

Labcorp Genetics (formerly Invitae), Labcorp
Classification: Uncertain significance. Last evaluated: 2024-12-19. Review status: criteria provided, single submitter. Criteria: Invitae Variant Classification Sherloc (09022015). Collection method: clinical testing. Allele origin: germline.
Comment: This sequence change replaces proline, which is neutral and non-polar, with alanine, which is neutral and non-polar, at codon 834 of the COL4A1 protein (p.Pro834Ala). This variant is not present in population databases (gnomAD no frequency). This variant has not been reported in the literature in individuals affected with COL4A1-related conditions. ClinVar contains an entry for this variant (Variation ID: 2075644). Invitae Evidence Modeling of protein sequence and biophysical properties (such as structural, functional, and spatial information, amino acid conservation, physicochemical variation, residue mobility, and thermodynamic stability) indicates that this missense variant is not expected to disrupt COL4A1 protein function with a negative predictive value of 95%. In summary, the available evidence is currently insufficient to determine the role of this variant in disease. Therefore, it has been classified as a Variant of Uncertain Significance.